The following is an entry in ClinVar:

ClinVar aggregate classification (germline): Uncertain significance (1 of 4 stars; one submission).

Conditions:
COG7 congenital disorder of glycosylation (CDG2E). Also called: CDG IIe; CONGENITAL DISORDER OF GLYCOSYLATION, TYPE IIe. Identifiers: Orphanet 79333, MedGen C2931010, MONDO:0012118, OMIM 608779.

Submission:

Labcorp Genetics (formerly Invitae), Labcorp
Classification: Uncertain significance for COG7 congenital disorder of glycosylation. Last evaluated: 2021-12-30. Review status: criteria provided, single submitter. Criteria: Invitae Variant Classification Sherloc (09022015). Collection method: clinical testing. Allele origin: germline.
Comment: This sequence change replaces serine, which is neutral and polar, with phenylalanine, which is neutral and non-polar, at codon 245 of the COG7 protein (p.Ser245Phe). In summary, the available evidence is currently insufficient to determine the role of this variant in disease. Therefore, it has been classified as a Variant of Uncertain Significance. Algorithms developed to predict the effect of missense changes on protein structure and function are either unavailable or do not agree on the potential impact of this missense change (SIFT: "Deleterious"; PolyPhen-2: "Possibly Damaging"; Align-GVGD: "Class C0"). This variant has not been reported in the literature in individuals affected with COG7-related conditions. This variant is not present in population databases (gnomAD no frequency).

NM_153603.4(COG7):c.734C>T (p.Ser245Phe)

Gene: COG7 (component of oligomeric golgi complex 7; minus strand). Cytogenetic location: 16p12.2.
Variant type: single nucleotide variant.
Coding change: c.734C>T on transcript NM_153603.4 (MANE Select); coding-DNA position 734, C replaced by T.
Protein change: p.Ser245Phe; replaces serine 245 with phenylalanine.
Molecular consequence: missense variant.
Genome position (GRCh38, 1-based): chr16:23,433,621, G>A on the plus strand (C>T on the coding strand, the complement: COG7 is on the minus strand). VCF-style: chr16-23433621-G-A. GRCh37 (hg19) VCF-style: chr16-23444942-G-A.
Other names: short protein forms S245F.
Identifiers: ClinVar variation 2066597 (VCV002066597.4), dbSNP rs2506639300, ClinGen allele CA395114966.